The following is an entry in ClinVar:

NM_005359.6(SMAD4):c.742C>G (p.Gln248Glu)

Gene: SMAD4 (SMAD family member 4; plus strand). Cytogenetic location: 18q21.2.
Variant type: single nucleotide variant.
Coding change: c.742C>G on transcript NM_005359.6 (MANE Select); coding-DNA position 742, C replaced by G.
Protein change: p.Gln248Glu; replaces glutamine 248 with glutamic acid.
Molecular consequence: missense variant. On other transcripts: non-coding transcript variant (2).
Genome position (GRCh38, 1-based): chr18:51,058,199, C>G. VCF-style: chr18-51058199-C-G. GRCh37 (hg19) VCF-style: chr18-48584569-C-G.
Other names: c.742C>G, p.Gln248Glu (NM_001407041.1, NM_001407042.1, NM_001407043.1); short protein forms Q248E.
Identifiers: ClinVar variation 2800149 (VCV002800149.6), dbSNP rs2144427357, ClinGen allele CA402462929.
Genomic context (GRCh38, chr18:51,058,199, plus strand): 5'-ATACTGGGGGGCAGCCATAGTGAAGGACTGTTGCAGATAGCATCAGGGCCTCAGCCAGGA[C>G]AGCAGCAGAATGGATTTACTGGTCAGCCAGCTACTTACCATCATAGTATGTACATACTTT-3'
Protein context (NP_005350.1, residues 238-258): LQIASGPQPG[Gln248Glu]QQNGFTGQPA

ClinVar aggregate classification (germline): Uncertain significance. Review status: criteria provided, multiple submitters, no conflicts (2 of 4 stars). 4 submissions from 4 submitters: Uncertain significance (4). Last evaluated 2026-07-07.

Conditions:
Juvenile polyposis/hereditary hemorrhagic telangiectasia syndrome (JPHT). Also called: JP/HHT SYNDROME; JUVENILE POLYPOSIS WITH HEREDITARY HEMORRHAGIC TELANGIECTASIA; POLYPOSIS, GENERALIZED JUVENILE, WITH PULMONARY ARTERIOVENOUS MALFORMATION; TELANGIECTASIA, HEREDITARY HEMORRHAGIC, WITH JUVENILE POLYPOSIS COLI; Juvenile Polyposis Syndrome / Hereditary Hemorrhagic Telangiectasia (JPS/HHT). Identifiers: Orphanet 2929, MedGen C1832942, MONDO:0008278, OMIM 175050.
Hereditary cancer-predisposing syndrome. Also called: Hereditary Cancer Syndrome; Hereditary neoplastic syndrome; Neoplastic Syndromes, Hereditary; Tumor predisposition. Identifiers: Orphanet 140162, MedGen C0027672, MeSH D009386, MONDO:0015356.
Juvenile polyposis syndrome (JPS). Identifiers: Orphanet 2929, MedGen C0345893, MONDO:0017380, OMIM 174900.
Familial thoracic aortic aneurysm and aortic dissection (TAAD). Also called: Thoracic aortic aneurysms and dissections. Identifiers: Orphanet 91387, MedGen C4707243, MONDO:0019625.

Submissions (4):

Ambry Genetics
Classification: Uncertain significance for Hereditary cancer-predisposing syndrome; Familial thoracic aortic aneurysm and aortic dissection. Last evaluated: 2026-07-07. Review status: criteria provided, single submitter. Criteria: Ambry Variant Classification Scheme 2023. Collection method: clinical testing. Allele origin: germline.
Comment: The p.Q248E variant (also known as c.742C>G), located in coding exon 5 of the SMAD4 gene, results from a C to G substitution at nucleotide position 742. The glutamine at codon 248 is replaced by glutamic acid, an amino acid with highly similar properties. This amino acid position is conserved. In addition, this alteration is predicted to be tolerated by in silico analysis. Based on the available evidence, the clinical significance of this variant remains unclear.

Labcorp Genetics (formerly Invitae), Labcorp
Classification: Uncertain significance for Juvenile polyposis syndrome. Last evaluated: 2024-07-30. Review status: criteria provided, single submitter. Criteria: Invitae Variant Classification Sherloc (09022015). Collection method: clinical testing. Allele origin: germline.
Comment: This sequence change replaces glutamine, which is neutral and polar, with glutamic acid, which is acidic and polar, at codon 248 of the SMAD4 protein (p.Gln248Glu). This variant is not present in population databases (gnomAD no frequency). This variant has not been reported in the literature in individuals affected with SMAD4-related conditions. Advanced modeling of protein sequence and biophysical properties (such as structural, functional, and spatial information, amino acid conservation, physicochemical variation, residue mobility, and thermodynamic stability) performed at Invitae indicates that this missense variant is not expected to disrupt SMAD4 protein function with a negative predictive value of 95%. In summary, the available evidence is currently insufficient to determine the role of this variant in disease. Therefore, it has been classified as a Variant of Uncertain Significance.

All of Us Research Program, National Institutes of Health
Classification: Uncertain significance for Juvenile polyposis/hereditary hemorrhagic telangiectasia syndrome. Last evaluated: 2023-11-02. Review status: criteria provided, single submitter. Criteria: ACMG Guidelines, 2015. Collection method: clinical testing. Allele origin: germline. Inheritance: Autosomal dominant inheritance. Observed: 1 variant allele, 1 heterozygote.
Comment: This missense variant replaces glutamine with glutamic acid at codon 248 of the SMAD4 protein. Computational prediction suggests that this variant may not impact protein structure and function (internally defined REVEL score threshold <= 0.5, PMID: 27666373). To our knowledge, functional studies have not been reported for this variant. This variant has not been reported in individuals affected with SMAD4-related disorders in the literature. This variant has not been identified in the general population by the Genome Aggregation Database (gnomAD). The available evidence is insufficient to determine the role of this variant in disease conclusively. Therefore, this variant is classified as a Variant of Uncertain Significance.

This study involves interpretation of variants in research participants for the purpose of population health screening. Participant phenotype was not available at the time of variant classification. Additional details can be found in publication PMID: 35346344, PMCID: PMC8962531

Color Diagnostics, LLC DBA Color Health
Classification: Uncertain significance for Hereditary cancer-predisposing syndrome. Last evaluated: 2023-10-18. Review status: criteria provided, single submitter. Criteria: ACMG Guidelines, 2015. Collection method: clinical testing. Allele origin: germline.
Comment: This missense variant replaces glutamine with glutamic acid at codon 248 of the SMAD4 protein. Computational prediction suggests that this variant may not impact protein structure and function. To our knowledge, functional studies have not been reported for this variant. This variant has not been reported in individuals affected with SMAD4-related disorders in the literature. This variant has not been identified in the general population by the Genome Aggregation Database (gnomAD). The available evidence is insufficient to determine the role of this variant in disease conclusively. Therefore, this variant is classified as a Variant of Uncertain Significance.